The following is an entry in ClinVar:

NM_001128205.2(SULF1):c.181C>A (p.Gln61Lys)

Gene: SULF1 (sulfatase 1; plus strand). Cytogenetic location: 8q13.2.
Variant type: single nucleotide variant.
Coding change: c.181C>A on transcript NM_001128205.2 (MANE Select); coding-DNA position 181, C replaced by A.
Protein change: p.Gln61Lys; replaces glutamine 61 with lysine.
Molecular consequence: missense variant. On other transcripts: non-coding transcript variant (2).
Genome position (GRCh38, 1-based): chr8:69,575,978, C>A. VCF-style: chr8-69575978-C-A. GRCh37 (hg19) VCF-style: chr8-70488213-C-A.
Other names: c.181C>A, p.Gln61Lys (NM_001128204.2, NM_001128206.2, NM_015170.3); c.181C>A (NM_001128205.1); short protein forms Q61K.
Identifiers: ClinVar variation 1358569 (VCV001358569.8), dbSNP rs199820581, ClinGen allele CA4775512.

ClinVar aggregate classification (germline): Uncertain significance. Review status: criteria provided, multiple submitters, no conflicts (2 of 4 stars). 2 submissions from 2 submitters: Uncertain significance (2). Last evaluated 2025-10-27.

Allele frequency attached by ClinVar (database versions not stated): ExAC 0.00010; gnomAD exomes 0.00013 and 0.00023; ESP Exome Variant Server 0.00015; gnomAD 0.00015; TOPMed 0.00017.
gnomAD v4.1: 351 of 1,613,632 alleles (0.022%); highest among the groups gnomAD compares: Non-Finnish European, 0.029%; no homozygotes.

Submissions (2):

Labcorp Genetics (formerly Invitae), Labcorp
Classification: Uncertain significance. Last evaluated: 2025-10-27. Review status: criteria provided, single submitter. Criteria: Invitae Variant Classification Sherloc (09022015). Collection method: clinical testing. Allele origin: germline.
Comment: This sequence change replaces glutamine, which is neutral and polar, with lysine, which is basic and polar, at codon 61 of the SULF1 protein (p.Gln61Lys). This variant is present in population databases (rs199820581, gnomAD 0.03%). This variant has not been reported in the literature in individuals affected with SULF1-related conditions. ClinVar contains an entry for this variant (Variation ID: 1358569). An algorithm developed to predict the effect of missense changes on protein structure and function (PolyPhen-2) suggests that this variant is likely to be disruptive. In summary, the available evidence is currently insufficient to determine the role of this variant in disease. Therefore, it has been classified as a Variant of Uncertain Significance.

Ambry Genetics
Classification: Uncertain significance. Last evaluated: 2025-05-17. Review status: criteria provided, single submitter. Criteria: Ambry Variant Classification Scheme 2023. Collection method: clinical testing. Allele origin: germline.